The following is an entry in ClinVar:

ClinVar aggregate classification (germline): Uncertain significance (1 of 4 stars; one submission).

Submission:

Women's Health and Genetics/Laboratory Corporation of America, LabCorp
Classification: Uncertain significance. Last evaluated: 2025-04-30. Review status: criteria provided, single submitter. Criteria: LabCorp Variant Classification Summary - May 2015. Collection method: clinical testing. Allele origin: germline.
Comment: Variant summary: CFTR c.1736A>T (p.Asp579Val) results in a non-conservative amino acid change in the encoded protein sequence. Five of five in-silico tools predict a damaging effect of the variant on protein function. The variant was absent in 250214 control chromosomes. The available data on variant occurrences in the general population are insufficient to allow any conclusion about variant significance. To our knowledge, no occurrence of c.1736A>T in individuals affected with Cystic Fibrosis and no experimental evidence demonstrating its impact on protein function have been reported. No submitters have cited clinical-significance assessments for this variant to ClinVar. Based on the evidence outlined above, the variant was classified as uncertain significance.

NM_000492.4(CFTR):c.1736A>T (p.Asp579Val)

Gene: CFTR (CF transmembrane conductance regulator; plus strand). Cytogenetic location: 7q31.2.
Variant type: single nucleotide variant.
Coding change: c.1736A>T on transcript NM_000492.4 (MANE Select); coding-DNA position 1736, A replaced by T.
Protein change: p.Asp579Val; replaces aspartic acid 579 with valine.
Molecular consequence: missense variant.
Genome position (GRCh38, 1-based): chr7:117,590,409, A>T. VCF-style: chr7-117590409-A-T. GRCh37 (hg19) VCF-style: chr7-117230463-A-T.
Other names: short protein forms D579V.
Identifiers: ClinVar variation 3896579 (VCV003896579.2).